The following is an entry in ClinVar:

NM_001349798.2(FBXW7):c.1237-5T>G

Gene: FBXW7 (F-box and WD repeat domain containing 7; minus strand). Cytogenetic location: 4q31.3.
Variant type: single nucleotide variant.
Coding change: c.1237-5T>G on transcript NM_001349798.2 (MANE Select); 5 bases into the intron before coding-DNA position 1237, T replaced by G.
Molecular consequence: intron variant.
Genome position (GRCh38, 1-based): chr4:152,328,394, A>C on the plus strand (T>G on the coding strand, the complement: FBXW7 is on the minus strand). VCF-style: chr4-152328394-A-C. GRCh37 (hg19) VCF-style: chr4-153249546-A-C.
Other names: c.883-5T>G (NM_001013415.2); c.997-5T>G (NM_018315.5); c.1237-5T>G (NM_033632.3).
Identifiers: ClinVar variation 1804309 (VCV001804309.1), dbSNP rs1729250500, ClinGen allele CA2580071609.

ClinVar aggregate classification (germline): Uncertain significance (1 of 4 stars; one submission).

Submission:

GeneDx
Classification: Uncertain significance. Last evaluated: 2022-06-14. Review status: criteria provided, single submitter. Criteria: GeneDx Variant Classification Process June 2021. Collection method: clinical testing. Allele origin: germline. Affected: yes.
Comment: Not observed at significant frequency in large population cohorts (gnomAD); In silico analysis supports a deleterious effect on splicing; Has not been previously published as pathogenic or benign to our knowledge